The following is an entry in ClinVar:

NM_005359.6(SMAD4):c.857G>T (p.Gly286Val)

Gene: SMAD4 (SMAD family member 4; plus strand). Cytogenetic location: 18q21.2.
Variant type: single nucleotide variant.
Coding change: c.857G>T on transcript NM_005359.6 (MANE Select); coding-DNA position 857, G replaced by T.
Protein change: p.Gly286Val; replaces glycine 286 with valine.
Molecular consequence: missense variant. On other transcripts: non-coding transcript variant (2).
Genome position (GRCh38, 1-based): chr18:51,058,409, G>T. VCF-style: chr18-51058409-G-T. GRCh37 (hg19) VCF-style: chr18-48584779-G-T.
Other names: c.857G>T, p.Gly286Val (NM_001407041.1, NM_001407042.1, NM_001407043.1); short protein forms G286V.
Identifiers: ClinVar variation 3798809 (VCV003798809.1).

ClinVar aggregate classification (germline): Uncertain significance (1 of 4 stars; one submission).

Conditions:
Familial thoracic aortic aneurysm and aortic dissection (TAAD). Also called: Thoracic aortic aneurysms and dissections. Identifiers: Orphanet 91387, MedGen C4707243, MONDO:0019625.
Hereditary cancer-predisposing syndrome. Also called: Neoplastic Syndromes, Hereditary; Hereditary Cancer Syndrome; Tumor predisposition; Hereditary neoplastic syndrome. Identifiers: Orphanet 140162, MedGen C0027672, MeSH D009386, MONDO:0015356.

Submission:

Ambry Genetics
Classification: Uncertain significance for Hereditary cancer-predisposing syndrome; Familial thoracic aortic aneurysm and aortic dissection. Last evaluated: 2025-01-14. Review status: criteria provided, single submitter. Criteria: Ambry Variant Classification Scheme 2023. Collection method: clinical testing. Allele origin: germline.
Comment: The p.G286V variant (also known as c.857G>T), located in coding exon 6 of the SMAD4 gene, results from a G to T substitution at nucleotide position 857. The glycine at codon 286 is replaced by valine, an amino acid with dissimilar properties. This amino acid position is conserved. In addition, this alteration is predicted to be deleterious by in silico analysis. Based on the available evidence, the clinical significance of this variant remains unclear.